The following is an entry in ClinVar:

NM_001375524.1(TRRAP):c.5096A>C (p.Glu1699Ala)

Genes: TRRAP (transformation/transcription domain associated protein; plus strand), LOC126860121 (MED14-independent group 3 enhancer GRCh37_chr7:98547245-98548444; plus strand). Cytogenetic location: 7q22.1.
Variant type: single nucleotide variant.
Coding change: c.5096A>C on transcript NM_001375524.1 (MANE Select); coding-DNA position 5096, A replaced by C.
Protein change: p.Glu1699Ala; replaces glutamic acid 1699 with alanine.
Molecular consequence: missense variant.
Genome position (GRCh38, 1-based): chr7:98,949,802, A>C. VCF-style: chr7-98949802-A-C. GRCh37 (hg19) VCF-style: chr7-98547425-A-C.
Other names: c.5075A>C, p.Glu1692Ala (NM_001244580.2); c.5021A>C, p.Glu1674Ala (NM_003496.4); short protein forms E1692A, E1674A, E1699A.
Identifiers: ClinVar variation 2802329 (VCV002802329.3), dbSNP rs138608147, ClinGen allele CA163090607.

ClinVar aggregate classification (germline): Uncertain significance (1 of 4 stars; one submission).

Allele frequency attached by ClinVar (database versions not stated): gnomAD exomes below 0.00001; TOPMed below 0.00001; ESP Exome Variant Server 0.00008.

Submission:

Labcorp Genetics (formerly Invitae), Labcorp
Classification: Uncertain significance. Last evaluated: 2023-06-20. Review status: criteria provided, single submitter. Criteria: Invitae Variant Classification Sherloc (09022015). Collection method: clinical testing. Allele origin: germline.
Comment: This sequence change replaces glutamic acid, which is acidic and polar, with alanine, which is neutral and non-polar, at codon 1674 of the TRRAP protein (p.Glu1674Ala). This variant is not present in population databases (gnomAD no frequency). This variant has not been reported in the literature in individuals affected with TRRAP-related conditions. Advanced modeling of protein sequence and biophysical properties (such as structural, functional, and spatial information, amino acid conservation, physicochemical variation, residue mobility, and thermodynamic stability) performed at Invitae indicates that this missense variant is not expected to disrupt TRRAP protein function. In summary, the available evidence is currently insufficient to determine the role of this variant in disease. Therefore, it has been classified as a Variant of Uncertain Significance.